The following is an entry in ClinVar:

NM_000260.4(MYO7A):c.1385A>C (p.Gln462Pro)

Gene: MYO7A (myosin VIIA; plus strand). Cytogenetic location: 11q13.5.
Variant type: single nucleotide variant.
Coding change: c.1385A>C on transcript NM_000260.4 (MANE Select); coding-DNA position 1385, A replaced by C.
Protein change: p.Gln462Pro; replaces glutamine 462 with proline.
Molecular consequence: missense variant.
Genome position (GRCh38, 1-based): chr11:77,162,161, A>C. VCF-style: chr11-77162161-A-C. GRCh37 (hg19) VCF-style: chr11-76873207-A-C.
Other names: c.1385A>C, p.Gln462Pro (NM_001127180.2); c.1352A>C, p.Gln451Pro (NM_001369365.1); short protein forms Q451P, Q462P.
Identifiers: ClinVar variation 2132116 (VCV002132116.5), dbSNP rs1555069337, ClinGen allele CA381935283.

ClinVar aggregate classification (germline): Pathogenic/Likely pathogenic. Review status: criteria provided, multiple submitters, no conflicts (2 of 4 stars). 2 submissions from 2 submitters: Pathogenic (1); Likely pathogenic (1). Last evaluated 2026-05-14.

Conditions:
Usher syndrome. Also called: Usher Syndromes; Usher's syndrome. Identifiers: Orphanet 886, MedGen CN469326, MeSH D052245, MONDO:0019501. Disease mechanism: loss of function.

gnomAD v4.1: 1 of 1,604,416 alleles (0.000062%); highest among the groups gnomAD compares: East Asian, 0.0022%; no homozygotes.

Submissions (2):

Women's Health and Genetics/Laboratory Corporation of America, LabCorp
Classification: Likely pathogenic for Usher syndrome. Last evaluated: 2026-05-14. Review status: criteria provided, single submitter. Criteria: LabCorp Variant Classification Summary - May 2015. Collection method: clinical testing. Allele origin: germline.
Comment: Variant summary: MYO7A c.1385A>C (p.Gln462Pro) results in a non-conservative amino acid change in the encoded protein sequence. Algorithms developed to predict the effect of missense changes on protein structure and function all suggest that this variant is likely to be disruptive. The variant allele was found at a frequency of 4.3e-06 in 234700 control chromosomes (gnomAD). The available data on variant occurrences in the general population are insufficient to allow any conclusion about variant significance. c.1385A>C has been observed in trans with a pathogenic (for autosomal recessive Usher syndrome) variant in least one individual affected with autosomal recessive Usher Syndrome (internal data). These data do not allow any conclusion about variant significance. To our knowledge, no experimental evidence demonstrating an impact on protein function has been reported. Internally validated machine learning-based Evidence Modeling of protein sequence and biophysical properties (such as structural, functional, and spatial information, amino acid conservation, physicochemical variation, residue mobility, and thermodynamic stability) indicates that this missense variant is expected to disrupt protein function with a positive predictive value of at least 95%. ClinVar contains an entry for this variant (Variation ID: 2132116). To our knowledge, this variant has not been reported in individuals with autosomal dominant MYO7A-deafness. Based on the evidence outlined above, the variant was classified as likely pathogenic for autosomal recessive Usher syndrome.

Labcorp Genetics (formerly Invitae), Labcorp
Classification: Pathogenic. Last evaluated: 2023-04-12. Review status: criteria provided, single submitter. Criteria: Invitae Variant Classification Sherloc (09022015). Collection method: clinical testing. Allele origin: germline.
Comment: This variant is present in population databases (no rsID available, gnomAD 0.006%). This sequence change replaces glutamine, which is neutral and polar, with proline, which is neutral and non-polar, at codon 462 of the MYO7A protein (p.Gln462Pro). For these reasons, this variant has been classified as Pathogenic. Advanced modeling of protein sequence and biophysical properties (such as structural, functional, and spatial information, amino acid conservation, physicochemical variation, residue mobility, and thermodynamic stability) performed at Invitae indicates that this missense variant is expected to disrupt MYO7A protein function. ClinVar contains an entry for this variant (Variation ID: 2132116). This missense change has been observed in individual(s) with clinical features of Usher syndrome (Invitae). In at least one individual the data is consistent with being in trans (on the opposite chromosome) from a pathogenic variant.